The following is an entry in ClinVar:

ClinVar aggregate classification (germline): Conflicting classifications of pathogenicity. Review status: criteria provided, conflicting classifications (1 of 4 stars). 2 submissions from 2 submitters: Uncertain significance (1); Likely benign (1). Last evaluated 2022-11-14.

Conditions:
Arrhythmogenic right ventricular dysplasia 8 (ARVD8). Also called: Arrhythmogenic Right Ventricular Dysplasia/Cardiomyopathy 8; ARRHYTHMOGENIC RIGHT VENTRICULAR DYSPLASIA, FAMILIAL, 8; ARRHYTHMOGENIC RIGHT VENTRICULAR CARDIOMYOPATHY 8. Identifiers: MedGen C1843896, MONDO:0011831, OMIM 607450.
Arrhythmogenic cardiomyopathy with wooly hair and keratoderma. Also called: PALMOPLANTAR KERATODERMA WITH LEFT VENTRICULAR CARDIOMYOPATHY AND WOOLLY HAIR; Carvajal syndrome; Dilated cardiomyopathy with woolly hair and keratoderma; Arrhythmogenic cardiomyopathy with woolly hair and keratoderma. Identifiers: Orphanet 65282, MedGen C1854063, MONDO:0011581, OMIM 605676.
Cardiomyopathy (CMYO). Also called: Cardiomyopathies. Identifiers: Orphanet 167848, MedGen C0878544, MONDO:0004994, HP:0001638. Inheritance: Various modes of inheritance.

Allele frequency attached by ClinVar (database versions not stated): gnomAD exomes 0.00001 and 0.00002; ExAC 0.00002.
gnomAD v4.1: 4 of 1,614,158 alleles (0.00025%); highest among the groups gnomAD compares: South Asian, 0.0044%; no homozygotes.

Submissions (2):

Labcorp Genetics (formerly Invitae), Labcorp
Classification: Likely benign for Arrhythmogenic cardiomyopathy with wooly hair and keratoderma; Arrhythmogenic right ventricular dysplasia 8. Last evaluated: 2022-11-14. Review status: criteria provided, single submitter. Criteria: Invitae Variant Classification Sherloc (09022015). Collection method: clinical testing. Allele origin: germline.

Color Diagnostics, LLC DBA Color Health
Classification: Uncertain significance for Cardiomyopathy. Last evaluated: 2019-11-19. Review status: criteria provided, single submitter. Criteria: ACMG Guidelines, 2015. Collection method: clinical testing. Allele origin: germline.
Comment: This missense variant replaces alanine with valine at codon 2760 of the DSP protein. Computational prediction suggests that this variant may not impact protein structure and function (internally defined REVEL score threshold <= 0.5, PMID: 27666373). Splice site prediction tools suggest that this variant may not impact RNA splicing. To our knowledge, functional studies have not been performed for this variant. This variant has not been reported in individuals affected with cardiovascular disorders in the literature. This variant has been identified in 4/251350 chromosomes in the general population by the Genome Aggregation Database (gnomAD). The available evidence is insufficient to determine the role of this variant in disease conclusively. Therefore, this variant is classified as a Variant of Uncertain Significance.

NM_004415.4(DSP):c.8279C>T (p.Ala2760Val)

Gene: DSP (desmoplakin; plus strand). Cytogenetic location: 6p24.3.
Variant type: single nucleotide variant.
Coding change: c.8279C>T on transcript NM_004415.4 (MANE Select); coding-DNA position 8279, C replaced by T.
Protein change: p.Ala2760Val; replaces alanine 2760 with valine.
Molecular consequence: missense variant.
Genome position (GRCh38, 1-based): chr6:7,585,541, C>T. VCF-style: chr6-7585541-C-T. GRCh37 (hg19) VCF-style: chr6-7585774-C-T.
Other names: c.6482C>T, p.Ala2161Val (NM_001008844.3); c.6950C>T, p.Ala2317Val (NM_001319034.2); short protein forms A2760V, A2161V, A2317V.
Identifiers: ClinVar variation 926935 (VCV000926935.11), dbSNP rs774309765, ClinGen allele CA051971.